The following is an entry in ClinVar:

NM_024809.5(TCTN2):c.716C>T (p.Ser239Phe)

Gene: TCTN2 (tectonic family member 2; plus strand). Cytogenetic location: 12q24.31.
Variant type: single nucleotide variant.
Coding change: c.716C>T on transcript NM_024809.5 (MANE Select); coding-DNA position 716, C replaced by T.
Protein change: p.Ser239Phe; replaces serine 239 with phenylalanine.
Molecular consequence: missense variant.
Genome position (GRCh38, 1-based): chr12:123,686,987, C>T. VCF-style: chr12-123686987-C-T. GRCh37 (hg19) VCF-style: chr12-124171534-C-T.
Other names: c.713C>T, p.Ser238Phe (NM_001143850.3); c.716C>T, p.Ser239Phe (NM_001410989.1); short protein forms S238F, S239F.
Identifiers: ClinVar variation 2932345 (VCV002932345.3), dbSNP rs149186771, ClinGen allele CA387162078.

ClinVar aggregate classification (germline): Uncertain significance (1 of 4 stars; one submission).

Conditions:
Joubert syndrome. Also called: CEREBELLOPARENCHYMAL DISORDER IV; JOUBERT-BOLTSHAUSER SYNDROME; Familial aplasia of the vermis. Identifiers: Orphanet 475, MedGen C5979921, MONDO:0018772.
Meckel-Gruber syndrome. Also called: DYSENCEPHALIA SPLANCHNOCYSTICA; GRUBER SYNDROME; Dysencephalia splachnocystica. Identifiers: Orphanet 564, MedGen C0265215, MONDO:0018921.

gnomAD v4.1: 4 of 1,613,996 alleles (0.00025%); highest among the groups gnomAD compares: Non-Finnish European, 0.00034%; no homozygotes.

Submission:

Labcorp Genetics (formerly Invitae), Labcorp
Classification: Uncertain significance for Joubert syndrome; Meckel-Gruber syndrome. Last evaluated: 2023-09-01. Review status: criteria provided, single submitter. Criteria: Invitae Variant Classification Sherloc (09022015). Collection method: clinical testing. Allele origin: germline.
Comment: In summary, the available evidence is currently insufficient to determine the role of this variant in disease. Therefore, it has been classified as a Variant of Uncertain Significance. An algorithm developed to predict the effect of missense changes on protein structure and function (PolyPhen-2) suggests that this variant is likely to be disruptive. This variant has not been reported in the literature in individuals affected with TCTN2-related conditions. This variant is not present in population databases (gnomAD no frequency). This sequence change replaces serine, which is neutral and polar, with phenylalanine, which is neutral and non-polar, at codon 239 of the TCTN2 protein (p.Ser239Phe).